The following is an entry in ClinVar:

NM_000355.4(TCN2):c.1037C>T (p.Ser346Phe)

Gene: TCN2 (transcobalamin 2; plus strand). Cytogenetic location: 22q12.2.
Variant type: single nucleotide variant.
Coding change: c.1037C>T on transcript NM_000355.4 (MANE Select); coding-DNA position 1037, C replaced by T.
Protein change: p.Ser346Phe; replaces serine 346 with phenylalanine.
Molecular consequence: missense variant.
Genome position (GRCh38, 1-based): chr22:30,617,426, C>T. VCF-style: chr22-30617426-C-T. GRCh37 (hg19) VCF-style: chr22-31013413-C-T.
Other names: c.956C>T, p.Ser319Phe (NM_001184726.2); short protein forms S319F, S346F.
Identifiers: ClinVar variation 2421334 (VCV002421334.3), dbSNP rs2087628724, ClinGen allele CA411215504.
Genomic context (GRCh38, chr22:30,617,426, plus strand): 5'-CCCAAGAGATCATCAGTGTCACGCTGCAGGTGCTTAGTCTCTTGCCGCCGTACAGACAGT[C>T]CATCTCTGTTCTGGCCGGGTCCACCGTGGAAGATGTCCTGAAGAAGGCCCATGAGTTAGG-3'
Protein context (NP_000346.2, residues 336-356): VLSLLPPYRQ[Ser346Phe]ISVLAGSTVE

ClinVar aggregate classification (germline): Uncertain significance (1 of 4 stars; one submission).

Conditions:
Transcobalamin II deficiency (TCN2D). Also called: TC II DEFICIENCY; TCN2 DEFICIENCY; Transcolabamin II deficiency. Identifiers: Orphanet 859, MedGen C0342701, MONDO:0010149, OMIM 275350.

Allele frequency attached by ClinVar (database versions not stated): TOPMed below 0.00001.

Submission:

Labcorp Genetics (formerly Invitae), Labcorp
Classification: Uncertain significance for Transcobalamin II deficiency. Last evaluated: 2021-12-27. Review status: criteria provided, single submitter. Criteria: Invitae Variant Classification Sherloc (09022015). Collection method: clinical testing. Allele origin: germline.
Comment: This sequence change replaces serine, which is neutral and polar, with phenylalanine, which is neutral and non-polar, at codon 346 of the TCN2 protein (p.Ser346Phe). This variant is not present in population databases (gnomAD no frequency). This variant has not been reported in the literature in individuals affected with TCN2-related conditions. Algorithms developed to predict the effect of missense changes on protein structure and function output the following: SIFT: "Deleterious"; PolyPhen-2: "Benign"; Align-GVGD: "Class C0". The phenylalanine amino acid residue is found in multiple mammalian species, which suggests that this missense change does not adversely affect protein function. In summary, the available evidence is currently insufficient to determine the role of this variant in disease. Therefore, it has been classified as a Variant of Uncertain Significance.